The following is an entry in ClinVar:

ClinVar aggregate classification (germline): Uncertain significance (1 of 4 stars; one submission).

Submission:

GeneDx
Classification: Uncertain significance. Last evaluated: 2025-01-24. Review status: criteria provided, single submitter. Criteria: GeneDx Variant Classification Process June 2021. Collection method: clinical testing. Allele origin: germline. Affected: yes.
Comment: Not observed in large population cohorts (gnomAD); In silico analysis supports that this missense variant has a deleterious effect on protein structure/function; Has not been previously published as pathogenic or benign to our knowledge

NM_001282531.3(ADNP):c.499T>C (p.Cys167Arg)

Gene: ADNP (activity dependent neuroprotector homeobox; minus strand). Cytogenetic location: 20q13.13.
Variant type: single nucleotide variant.
Coding change: c.499T>C on transcript NM_001282531.3 (MANE Select); coding-DNA position 499, T replaced by C.
Protein change: p.Cys167Arg; replaces cysteine 167 with arginine.
Molecular consequence: missense variant.
Genome position (GRCh38, 1-based): chr20:50,894,215, A>G on the plus strand (T>C on the coding strand, the complement: ADNP is on the minus strand). VCF-style: chr20-50894215-A-G. GRCh37 (hg19) VCF-style: chr20-49510752-A-G.
Other names: c.499T>C, p.Cys167Arg (NM_001282532.2, NM_001347511.2, NM_015339.5 and 1 more transcripts); short protein forms C167R.
Identifiers: ClinVar variation 1304715 (VCV001304715.3), dbSNP rs2122763120, ClinGen allele CA408977629.